The following is an entry in ClinVar:

NM_004260.4(RECQL4):c.3176T>G (p.Val1059Gly)

Gene: RECQL4 (RecQ like helicase 4; minus strand). Cytogenetic location: 8q24.3.
Variant type: single nucleotide variant.
Coding change: c.3176T>G on transcript NM_004260.4 (MANE Select); coding-DNA position 3176, T replaced by G.
Protein change: p.Val1059Gly; replaces valine 1059 with glycine.
Molecular consequence: missense variant. On other transcripts: non-coding transcript variant (3).
Genome position (GRCh38, 1-based): chr8:144,512,204, A>C on the plus strand (T>G on the coding strand, the complement: RECQL4 is on the minus strand). VCF-style: chr8-144512204-A-C. GRCh37 (hg19) VCF-style: chr8-145737587-A-C.
Other names: c.2882T>G, p.Val961Gly (NM_001413017.1); c.2978T>G, p.Val993Gly (NM_001413018.1); c.3251T>G, p.Val1084Gly (NM_001413019.1); c.3080T>G, p.Val1027Gly (NM_001413020.1); c.2105T>G, p.Val702Gly (NM_001413021.1, NM_001413022.1, NM_001413024.1 and 4 more transcripts); c.2180T>G, p.Val727Gly (NM_001413023.1); c.3047T>G, p.Val1016Gly (NM_001413025.1); c.2039T>G, p.Val680Gly (NM_001413027.1, NM_001413030.1, NM_001413032.1); and 9 more; short protein forms V1049G, V1059G, V680G, V692G, V961G, V942G, V993G, V1015G.
Identifiers: ClinVar variation 2760587 (VCV002760587.3), dbSNP rs779743345, ClinGen allele CA372670027.

ClinVar aggregate classification (germline): Uncertain significance (1 of 4 stars; one submission).

Conditions:
Baller-Gerold syndrome (BGS). Also called: CRANIOSYNOSTOSIS WITH RADIAL DEFECTS. Identifiers: Orphanet 1225, MedGen C0265308, MONDO:0009039, OMIM 218600.

Submission:

Labcorp Genetics (formerly Invitae), Labcorp
Classification: Uncertain significance for Baller-Gerold syndrome. Last evaluated: 2023-09-14. Review status: criteria provided, single submitter. Criteria: Invitae Variant Classification Sherloc (09022015). Collection method: clinical testing. Allele origin: germline.
Comment: In summary, the available evidence is currently insufficient to determine the role of this variant in disease. Therefore, it has been classified as a Variant of Uncertain Significance. This sequence change replaces valine, which is neutral and non-polar, with glycine, which is neutral and non-polar, at codon 1059 of the RECQL4 protein (p.Val1059Gly). This variant is not present in population databases (gnomAD no frequency). This variant has not been reported in the literature in individuals affected with RECQL4-related conditions. Advanced modeling of protein sequence and biophysical properties (such as structural, functional, and spatial information, amino acid conservation, physicochemical variation, residue mobility, and thermodynamic stability) performed at Invitae indicates that this missense variant is expected to disrupt RECQL4 protein function.